The following is an entry in ClinVar:

ClinVar aggregate classification (germline): Uncertain significance. Review status: criteria provided, multiple submitters, no conflicts (2 of 4 stars). 2 submissions from 2 submitters: Uncertain significance (2). Last evaluated 2025-11-13.

gnomAD v4.1: 25 of 1,586,344 alleles (0.0016%); highest among the groups gnomAD compares: African/African-American, 0.02%; no homozygotes.

Submissions (2):

Ambry Genetics
Classification: Uncertain significance. Last evaluated: 2025-11-13. Review status: criteria provided, single submitter. Criteria: Ambry Variant Classification Scheme 2023. Collection method: clinical testing. Allele origin: germline.

GeneDx
Classification: Uncertain significance. Last evaluated: 2025-01-24. Review status: criteria provided, single submitter. Criteria: GeneDx Variant Classification Process June 2021. Collection method: clinical testing. Allele origin: germline. Affected: yes.
Comment: In silico analysis indicates that this missense variant does not alter protein structure/function; Has not been previously published as pathogenic or benign to our knowledge

NM_001606.5(ABCA2):c.3653G>A (p.Arg1218His)

Gene: ABCA2 (ATP binding cassette subfamily A member 2; minus strand). Cytogenetic location: 9q34.3.
Variant type: single nucleotide variant.
Coding change: c.3653G>A on transcript NM_001606.5 (MANE Select); coding-DNA position 3653, G replaced by A.
Protein change: p.Arg1218His; replaces arginine 1218 with histidine.
Molecular consequence: missense variant.
Genome position (GRCh38, 1-based): chr9:137,015,458, C>T on the plus strand (G>A on the coding strand, the complement: ABCA2 is on the minus strand). VCF-style: chr9-137015458-C-T. GRCh37 (hg19) VCF-style: chr9-139909910-C-T.
Other names: c.3650G>A, p.Arg1217His (NM_001411042.1); c.3743G>A, p.Arg1248His (NM_212533.3); short protein forms R1217H, R1218H, R1248H.
Identifiers: ClinVar variation 4071700 (VCV004071700.2).